The following is an entry in ClinVar:

ClinVar aggregate classification (germline): Pathogenic (1 of 4 stars; one submission).

Submission:

Labcorp Genetics (formerly Invitae), Labcorp
Classification: Pathogenic. Last evaluated: 2024-06-08. Review status: criteria provided, single submitter. Criteria: Invitae Variant Classification Sherloc (09022015). Collection method: clinical testing. Allele origin: germline.
Comment: This sequence change creates a premature translational stop signal (p.Gln247*) in the PGAP3 gene. It is expected to result in an absent or disrupted protein product. Loss-of-function variants in PGAP3 are known to be pathogenic (PMID: 2443911, 27120253). This variant is not present in population databases (gnomAD no frequency). This variant has not been reported in the literature in individuals affected with PGAP3-related conditions. For these reasons, this variant has been classified as Pathogenic.

Literature cited by the submitters: PubMed 2443911; PubMed 27120253.

NM_033419.5(PGAP3):c.739C>T (p.Gln247Ter)

Gene: PGAP3 (post-GPI attachment to proteins phospholipase 3; minus strand). Cytogenetic location: 17q12.
Variant type: single nucleotide variant.
Coding change: c.739C>T on transcript NM_033419.5 (MANE Select); coding-DNA position 739, C replaced by T.
Protein change: p.Gln247Ter; replaces glutamine 247 with a stop codon.
Molecular consequence: nonsense. On other transcripts: intron variant (3).
Genome position (GRCh38, 1-based): chr17:39,673,211, G>A on the plus strand (C>T on the coding strand, the complement: PGAP3 is on the minus strand). VCF-style: chr17-39673211-G-A. GRCh37 (hg19) VCF-style: chr17-37829464-G-A.
Other names: c.586C>T, p.Gln196Ter (NM_001291726.2); c.676C>T, p.Gln226Ter (NM_001291728.2); c.433-345C>T (NM_001291733.2); c.495-345C>T (NM_001291732.2); c.558-345C>T (NM_001291730.2); short protein forms Q196*, Q247*, Q226*.
Identifiers: ClinVar variation 3670051 (VCV003670051.2).